The following is an entry in ClinVar:

NM_003482.4(KMT2D):c.6854T>C (p.Leu2285Pro)

Gene: KMT2D (lysine methyltransferase 2D; minus strand). Cytogenetic location: 12q13.12.
Variant type: single nucleotide variant.
Coding change: c.6854T>C on transcript NM_003482.4 (MANE Select); coding-DNA position 6854, T replaced by C.
Protein change: p.Leu2285Pro; replaces leucine 2285 with proline.
Molecular consequence: missense variant.
Genome position (GRCh38, 1-based): chr12:49,040,916, A>G on the plus strand (T>C on the coding strand, the complement: KMT2D is on the minus strand). VCF-style: chr12-49040916-A-G. GRCh37 (hg19) VCF-style: chr12-49434699-A-G.
Other names: short protein forms L2285P.
Identifiers: ClinVar variation 2155051 (VCV002155051.5), dbSNP rs1943484330, ClinGen allele CA384749445.

ClinVar aggregate classification (germline): Uncertain significance. Review status: criteria provided, multiple submitters, no conflicts (2 of 4 stars). 2 submissions from 2 submitters: Uncertain significance (2). Last evaluated 2025-05-19.

Conditions:
Inborn genetic diseases. Identifiers: MedGen C0950123, MeSH D030342.
Kabuki syndrome. Also called: NIIKAWA-KUROKI SYNDROME; Kabuki make-up syndrome. Identifiers: Orphanet 2322, MedGen C0796004, MONDO:0016512.

Allele frequency attached by ClinVar (database versions not stated): TOPMed below 0.00001.

Submissions (2):

Labcorp Genetics (formerly Invitae), Labcorp
Classification: Uncertain significance for Kabuki syndrome. Last evaluated: 2025-05-19. Review status: criteria provided, single submitter. Criteria: Invitae Variant Classification Sherloc (09022015). Collection method: clinical testing. Allele origin: germline.
Comment: This sequence change replaces leucine, which is neutral and non-polar, with proline, which is neutral and non-polar, at codon 2285 of the KMT2D protein (p.Leu2285Pro). This variant is not present in population databases (gnomAD no frequency). This variant has not been reported in the literature in individuals affected with KMT2D-related conditions. ClinVar contains an entry for this variant (Variation ID: 2155051). Invitae Evidence Modeling of protein sequence and biophysical properties (such as structural, functional, and spatial information, amino acid conservation, physicochemical variation, residue mobility, and thermodynamic stability) indicates that this missense variant is not expected to disrupt KMT2D protein function with a negative predictive value of 95%. In summary, the available evidence is currently insufficient to determine the role of this variant in disease. Therefore, it has been classified as a Variant of Uncertain Significance.

Ambry Genetics
Classification: Uncertain significance for Inborn genetic diseases. Last evaluated: 2024-12-07. Review status: criteria provided, single submitter. Criteria: Ambry Variant Classification Scheme 2023. Collection method: clinical testing. Allele origin: germline.